The following is an entry in ClinVar:

NM_152564.5(VPS13B):c.7326T>A (p.Val2442=)

Gene: VPS13B (vacuolar protein sorting 13 homolog B; plus strand). Cytogenetic location: 8q22.2.
Variant type: single nucleotide variant.
Coding change: c.7326T>A on transcript NM_152564.5 (MANE Select); coding-DNA position 7326, T replaced by A.
Protein change: p.Val2442=; no amino-acid change (valine 2442 retained).
Molecular consequence: synonymous variant.
Genome position (GRCh38, 1-based): chr8:99,776,853, T>A. VCF-style: chr8-99776853-T-A. GRCh37 (hg19) VCF-style: chr8-100789081-T-A.
Other names: c.7401T>A, p.Val2467= (NM_017890.5); c.7326T>A (NM_152564.4).
Identifiers: ClinVar variation 1080562 (VCV001080562.10), dbSNP rs2130668217, ClinGen allele CA462449187.

ClinVar aggregate classification (germline): Likely benign. Review status: criteria provided, multiple submitters, no conflicts (2 of 4 stars). 2 submissions from 2 submitters: Likely benign (2). Last evaluated 2025-12-09.

Conditions:
VPS13B-related disorder. Also called: VPS13B-related condition.
Cohen syndrome (COH1). Also called: Cutis verticis gyrata, retinitis pigmentosa, and sensorineural deafness; PEPPER SYNDROME. Identifiers: Orphanet 193, MedGen C0265223, MONDO:0008999, OMIM 216550.

gnomAD v4.1: 2 of 1,614,144 alleles (0.00012%); highest among the groups gnomAD compares: East Asian, 0.0045%; no homozygotes.

Submissions (2):

Labcorp Genetics (formerly Invitae), Labcorp
Classification: Likely benign for Cohen syndrome. Last evaluated: 2025-12-09. Review status: criteria provided, single submitter. Criteria: Invitae Variant Classification Sherloc (09022015). Collection method: clinical testing. Allele origin: germline.

PreventionGenetics, part of Exact Sciences
Classification: Likely benign for VPS13B-related condition. Last evaluated: 2025-07-25. Review status: criteria provided, single submitter. Criteria: ACMG Guidelines, 2015. Collection method: clinical testing. Allele origin: germline.
Comment: This variant is classified as likely benign based on ACMG/AMP sequence variant interpretation guidelines (Richards et al. 2015 PMID: 25741868, with internal and published modifications).